The following is an entry in ClinVar:

NM_002529.4(NTRK1):c.1046A>G (p.Asn349Ser)

Gene: NTRK1 (neurotrophic receptor tyrosine kinase 1; plus strand). Cytogenetic location: 1q23.1.
Variant type: single nucleotide variant.
Coding change: c.1046A>G on transcript NM_002529.4 (MANE Select); coding-DNA position 1046, A replaced by G.
Protein change: p.Asn349Ser; replaces asparagine 349 with serine.
Molecular consequence: missense variant.
Genome position (GRCh38, 1-based): chr1:156,873,828, A>G. VCF-style: chr1-156873828-A-G. GRCh37 (hg19) VCF-style: chr1-156843620-A-G.
Other names: c.1046A>G, p.Asn349Ser (NM_001007204.1, NM_001012331.2); c.956A>G, p.Asn319Ser (NM_001007792.1); short protein forms N319S, N349S.
Identifiers: ClinVar variation 2201942 (VCV002201942.3), dbSNP rs528547348, ClinGen allele CA1169175.

ClinVar aggregate classification (germline): Uncertain significance. Review status: criteria provided, multiple submitters, no conflicts (2 of 4 stars). 3 submissions from 3 submitters: Uncertain significance (3). Last evaluated 2025-09-22.

Conditions:
Inborn genetic diseases. Identifiers: MedGen C0950123, MeSH D030342.
Hereditary insensitivity to pain with anhidrosis (CIPA). Also called: NTRK1 Congenital Insensitivity to Pain with Anhidrosis; FAMILIAL DYSAUTONOMIA, TYPE II; hereditary sensory and autonomic neuropathy type 4; INSENSITIVITY TO PAIN, CONGENITAL, WITH ANHIDROSIS; HSAN Type IV; NEUROPATHY, CONGENITAL SENSORY, WITH ANHIDROSIS. Identifiers: Orphanet 642, MedGen C0020074, MONDO:0009746, OMIM 256800.

Allele frequency attached by ClinVar (database versions not stated): gnomAD exomes below 0.00001; ExAC 0.00001; gnomAD 0.00001; 1000 Genomes Project 30x 0.00016; 1000 Genomes Project 0.00020.
gnomAD v4.1: 2 of 1,611,808 alleles (0.00012%); highest among the groups gnomAD compares: East Asian, 0.0045%; no homozygotes.

Submissions (3):

Ambry Genetics
Classification: Uncertain significance for Inborn genetic diseases. Last evaluated: 2025-09-22. Review status: criteria provided, single submitter. Criteria: Ambry Variant Classification Scheme 2023. Collection method: clinical testing. Allele origin: germline.

ARUP Laboratories, Molecular Genetics and Genomics, ARUP Laboratories
Classification: Uncertain significance for Hereditary insensitivity to pain with anhidrosis. Last evaluated: 2025-04-01. Review status: criteria provided, single submitter. Criteria: ARUP Molecular Germline Variant Investigation Process 2024. Collection method: clinical testing. Allele origin: germline.
Comment: The NTRK1 c.1046A>G; p.Asn349Ser variant (rs528547348), to our knowledge, is not reported in the medical literature but is reported in ClinVar (Variation ID: 2201942). This variant is only observed on two alleles in the Genome Aggregation Database (v2.1.1), indicating it is not a common polymorphism. Computational analyses predict that this variant is neutral (REVEL: 0.145). Due to limited information, the clinical significance of this variant is uncertain at this time.

Labcorp Genetics (formerly Invitae), Labcorp
Classification: Uncertain significance for Hereditary insensitivity to pain with anhidrosis. Last evaluated: 2022-06-10. Review status: criteria provided, single submitter. Criteria: Invitae Variant Classification Sherloc (09022015). Collection method: clinical testing. Allele origin: germline.
Comment: This sequence change replaces asparagine, which is neutral and polar, with serine, which is neutral and polar, at codon 349 of the NTRK1 protein (p.Asn349Ser). The frequency data for this variant in the population databases is considered unreliable, as metrics indicate poor data quality at this position in the gnomAD database. This variant has not been reported in the literature in individuals affected with NTRK1-related conditions. Advanced modeling of protein sequence and biophysical properties (such as structural, functional, and spatial information, amino acid conservation, physicochemical variation, residue mobility, and thermodynamic stability) performed at Invitae indicates that this missense variant is expected to disrupt NTRK1 protein function. Algorithms developed to predict the effect of sequence changes on RNA splicing suggest that this variant may create or strengthen a splice site. In summary, the available evidence is currently insufficient to determine the role of this variant in disease. Therefore, it has been classified as a Variant of Uncertain Significance.